The following is an entry in ClinVar:

NM_017763.6(RNF43):c.1761C>T (p.Pro587=)

Gene: RNF43 (ring finger protein 43; minus strand). Cytogenetic location: 17q22.
Variant type: single nucleotide variant.
Coding change: c.1761C>T on transcript NM_017763.6 (MANE Select); coding-DNA position 1761, C replaced by T.
Protein change: p.Pro587=; no amino-acid change (proline 587 retained).
Molecular consequence: synonymous variant.
Genome position (GRCh38, 1-based): chr17:58,358,015, G>A on the plus strand (C>T on the coding strand, the complement: RNF43 is on the minus strand). VCF-style: chr17-58358015-G-A. GRCh37 (hg19) VCF-style: chr17-56435376-G-A.
Other names: c.1761C>T, p.Pro587= (NM_001305544.3); c.1380C>T, p.Pro460= (NM_001305545.2).
Identifiers: ClinVar variation 1110635 (VCV001110635.11), dbSNP rs750381274, ClinGen allele CA292030650.
Genomic context (GRCh38, chr17:58,358,015, plus strand): 5'-CGAAGGGGCTGCTGAGTTGGATCTGGTGACTTGCTGATCAGGAGAAGGTGGCTCTGGCTG[G>A]GGCTGTGTCCGAGGAATAGGAGGCCTGGACTGGGGGACTCCGGTTTCTGGGCCAGGCTTC-3'
Protein context (NP_060233.3, residues 577-597): QSRPPIPRTQ[Pro587=]QPEPPSPDQQ

ClinVar aggregate classification (germline): Benign/Likely benign. Review status: criteria provided, multiple submitters, no conflicts (2 of 4 stars). 3 submissions from 3 submitters: Benign (1); Likely benign (2). Last evaluated 2026-07-02.

Conditions:
Sessile serrated polyposis cancer syndrome (SSPCS). Identifiers: Orphanet 157798, MedGen C4310714, MONDO:0014919, OMIM 617108.

Allele frequency attached by ClinVar (database versions not stated): TOPMed below 0.00001; gnomAD 0.00001; gnomAD exomes 0.00003 and below 0.00001.
gnomAD v4.1: 42 of 1,596,502 alleles (0.0026%); highest among the groups gnomAD compares: Non-Finnish European, 0.0034%; no homozygotes.

Submissions (3):

Myriad Genetics, Inc.
Classification: Benign for Sessile serrated polyposis cancer syndrome. Last evaluated: 2026-07-02. Review status: criteria provided, single submitter. Criteria: Myriad Autosomal Dominant, Autosomal Recessive and X-Linked Classification Criteria (2023). Collection method: clinical testing. Allele origin: unknown.
Comment: This variant is considered benign. This variant is a silent/synonymous amino acid change and it is not expected to impact splicing.

Ambry Genetics
Classification: Likely benign. Last evaluated: 2024-12-15. Review status: criteria provided, single submitter. Criteria: Ambry Variant Classification Scheme 2023. Collection method: clinical testing. Allele origin: germline.

Labcorp Genetics (formerly Invitae), Labcorp
Classification: Likely benign. Last evaluated: 2024-06-28. Review status: criteria provided, single submitter. Criteria: Invitae Variant Classification Sherloc (09022015). Collection method: clinical testing. Allele origin: germline.